The following is an entry in ClinVar:

NM_002582.4(PARN):c.154G>C (p.Glu52Gln)

Gene: PARN (poly(A)-specific ribonuclease; minus strand). Cytogenetic location: 16p13.12.
Variant type: single nucleotide variant.
Coding change: c.154G>C on transcript NM_002582.4 (MANE Select); coding-DNA position 154, G replaced by C.
Protein change: p.Glu52Gln; replaces glutamic acid 52 with glutamine.
Molecular consequence: missense variant. On other transcripts: 5 prime UTR variant (1).
Genome position (GRCh38, 1-based): chr16:14,628,195, C>G on the plus strand (G>C on the coding strand, the complement: PARN is on the minus strand). VCF-style: chr16-14628195-C-G. GRCh37 (hg19) VCF-style: chr16-14722052-C-G.
Other names: c.-30G>C (NM_001134477.3); c.154G>C, p.Glu52Gln (NM_001242992.2); short protein forms E52Q.
Identifiers: ClinVar variation 1510130 (VCV001510130.6), dbSNP rs2151824669, ClinGen allele CA394816901.

ClinVar aggregate classification (germline): Uncertain significance (1 of 4 stars; one submission).

Conditions:
Pulmonary fibrosis and/or bone marrow failure, Telomere-related, 4. Also called: PULMONARY FIBROSIS AND/OR BONE MARROW FAILURE SYNDROME, TELOMERE-RELATED, 4. Identifiers: Orphanet 2032, MedGen C4225347, MONDO:0014612, OMIM 616371.
Dyskeratosis congenita, autosomal recessive 6 (DKCB6). Identifiers: MedGen C4225356, MONDO:0014600, OMIM 616353.

Submission:

Labcorp Genetics (formerly Invitae), Labcorp
Classification: Uncertain significance for Dyskeratosis congenita, autosomal recessive 6; Pulmonary fibrosis and/or bone marrow failure, Telomere-related, 4. Last evaluated: 2021-11-13. Review status: criteria provided, single submitter. Criteria: Invitae Variant Classification Sherloc (09022015). Collection method: clinical testing. Allele origin: germline.
Comment: This variant has not been reported in the literature in individuals affected with PARN-related conditions. Algorithms developed to predict the effect of missense changes on protein structure and function (SIFT, PolyPhen-2, Align-GVGD) all suggest that this variant is likely to be tolerated. In summary, the available evidence is currently insufficient to determine the role of this variant in disease. Therefore, it has been classified as a Variant of Uncertain Significance. This sequence change replaces glutamic acid, which is acidic and polar, with glutamine, which is neutral and polar, at codon 52 of the PARN protein (p.Glu52Gln). This variant is not present in population databases (gnomAD no frequency).